The following is an entry in ClinVar:

NM_001130144.3(LTBP3):c.2332C>T (p.Pro778Ser)

Genes: LTBP3 (latent transforming growth factor beta binding protein 3; minus strand), LOC130006029 (ATAC-STARR-seq lymphoblastoid silent region 3532; plus strand). Cytogenetic location: 11q13.1.
Variant type: single nucleotide variant.
Coding change: c.2332C>T on transcript NM_001130144.3 (MANE Select); coding-DNA position 2332, C replaced by T.
Protein change: p.Pro778Ser; replaces proline 778 with serine.
Molecular consequence: missense variant.
Genome position (GRCh38, 1-based): chr11:65,546,463, G>A on the plus strand (C>T on the coding strand, the complement: LTBP3 is on the minus strand). VCF-style: chr11-65546463-G-A. GRCh37 (hg19) VCF-style: chr11-65313934-G-A.
Other names: c.1981C>T, p.Pro661Ser (NM_001164266.1); c.2332C>T, p.Pro778Ser (NM_021070.4); short protein forms P661S, P778S.
Identifiers: ClinVar variation 4623998 (VCV004623998.1).

ClinVar aggregate classification (germline): Uncertain significance (1 of 4 stars; one submission).

Conditions:
Inborn genetic diseases. Identifiers: MedGen C0950123, MeSH D030342.

gnomAD v4.1: 1 of 1,577,234 alleles (0.000063%); highest among the groups gnomAD compares: South Asian, 0.0011%; no homozygotes.

Submission:

Ambry Genetics
Classification: Uncertain significance for Inborn genetic diseases. Last evaluated: 2025-10-27. Review status: criteria provided, single submitter. Criteria: Ambry Variant Classification Scheme 2023. Collection method: clinical testing. Allele origin: germline.
Comment: The p.P778S variant (also known as c.2332C>T), located in coding exon 16 of the LTBP3 gene, results from a C to T substitution at nucleotide position 2332. The proline at codon 778 is replaced by serine, an amino acid with similar properties. This amino acid position is conserved. In addition, this alteration is predicted to be tolerated by in silico analysis. Based on the available evidence, the clinical significance of this variant remains unclear.